The following is an entry in ClinVar:

ClinVar aggregate classification (germline): Uncertain significance (1 of 4 stars; one submission).

Submission:

GeneDx
Classification: Uncertain significance. Last evaluated: 2023-12-11. Review status: criteria provided, single submitter. Criteria: GeneDx Variant Classification Process June 2021. Collection method: clinical testing. Allele origin: germline. Affected: yes.
Comment: Not observed at significant frequency in large population cohorts (gnomAD); In silico analysis supports that this missense variant does not alter protein structure/function; Has not been previously published as pathogenic or benign to our knowledge

NM_015267.4(CUX2):c.2194T>A (p.Ser732Thr)

Gene: CUX2 (cut like homeobox 2; plus strand). Cytogenetic location: 12q24.12.
Variant type: single nucleotide variant.
Coding change: c.2194T>A on transcript NM_015267.4 (MANE Select); coding-DNA position 2194, T replaced by A.
Protein change: p.Ser732Thr; replaces serine 732 with threonine.
Molecular consequence: missense variant.
Genome position (GRCh38, 1-based): chr12:111,320,203, T>A. VCF-style: chr12-111320203-T-A. GRCh37 (hg19) VCF-style: chr12-111758007-T-A.
Other names: c.2008T>A, p.Ser670Thr (NM_001370598.1); short protein forms S670T, S732T.
Identifiers: ClinVar variation 3253115 (VCV003253115.1), dbSNP rs2136398171.